The following is an entry in ClinVar:

ClinVar aggregate classification (germline): Likely pathogenic. Review status: criteria provided, multiple submitters, no conflicts (2 of 4 stars). 2 submissions from 2 submitters: Likely pathogenic (2). Last evaluated 2025-02-01.

Conditions:
Neurodevelopmental disorder with hypotonia, brain anomalies, distinctive facies, and absent language. Also called: RNU4-2-Related Neurodevelopmental Disorder; RNU4-2–Related Autosomal Dominant Neurodevelopmental Disorder; ReNU SYNDROME. Identifiers: Orphanet 686488, MedGen C5935628, MONDO:0971172, OMIM 620851.

Submissions (2):

CeGaT Center for Human Genetics Tuebingen
Classification: Likely pathogenic. Last evaluated: 2025-02-01. Review status: criteria provided, single submitter. Criteria: CeGaT Center For Human Genetics Tuebingen Variant Classification Criteria Version 2. Collection method: clinical testing. Allele origin: germline. Affected: yes. Observed: 1 variant allele.
Comment: RNU4-2: PM1, PM2, PS2:Moderate, PS4:Supporting

Institute for Human Genetics, University Hospital Essen
Classification: Likely pathogenic for Neurodevelopmental disorder with hypotonia, brain anomalies, distinctive facies, and absent language. Last evaluated: 2005-03-05. Review status: criteria provided, single submitter. Criteria: ACMG Guidelines, 2015. Collection method: clinical testing. Allele origin: de novo. Inheritance: Autosomal dominant inheritance. Affected: yes.
Comment: PM2_supp, PM6, PM1

NR_003137.3(RNU4-2):n.78A>C

Genes: RNU4-2 (RNA, U4 small nuclear 2; minus strand), SIRT4 (sirtuin 4; plus strand). Cytogenetic location: 12q24.23.
Variant type: single nucleotide variant.
Molecular consequence: non-coding transcript variant (on NR_003137.3).
Genome position: GRCh38 VCF-style: chr12-120291826-T-G. GRCh37 (hg19) VCF-style: chr12-120729629-T-G.
Identifiers: ClinVar variation 3766430 (VCV003766430.13).
Genomic context (GRCh38, chr12:120,291,826, plus strand): 5'-CCGTAGAGACTGTCAAAAATTGCCAATGCCGACTATATTTCAAGTCGTCATGGCGGGGTA[T>G]TGGGAAAAGTTTTCAATTAGCAATAATCGCGCCTCGGATAAACCTCATTGGCTACGATAC-3'